The following is an entry in ClinVar:

NM_001005242.3(PKP2):c.1170+1G>C

Gene: PKP2 (plakophilin 2; minus strand). Cytogenetic location: 12p11.21.
Variant type: single nucleotide variant.
Coding change: c.1170+1G>C on transcript NM_001005242.3 (MANE Select); the canonical splice donor site of the intron after coding-DNA position 1170, G replaced by C.
Molecular consequence: splice donor variant.
Genome position (GRCh38, 1-based): chr12:32,868,926, C>G on the plus strand (G>C on the coding strand, the complement: PKP2 is on the minus strand). VCF-style: chr12-32868926-C-G. GRCh37 (hg19) VCF-style: chr12-33021860-C-G.
Other names: c.1170+1G>C (NM_004572.3, NM_001407156.1, NM_001407155.1 and 3 more transcripts); c.843+1G>C (NM_001407160.1, NM_001407159.1, NM_001407158.1 and 1 more transcripts).
Identifiers: ClinVar variation 2735823 (VCV002735823.4), dbSNP rs786204392, ClinGen allele CA384358903.

ClinVar aggregate classification (germline): Pathogenic. Review status: criteria provided, multiple submitters, no conflicts (2 of 4 stars). 2 submissions from 2 submitters: Pathogenic (2). Last evaluated 2023-07-25.

Conditions:
Arrhythmogenic right ventricular dysplasia 9 (ARVD9). Also called: Arrhythmogenic Right Ventricular Dysplasia/Cardiomyopathy 9; ARRHYTHMOGENIC RIGHT VENTRICULAR DYSPLASIA, FAMILIAL, 9. Identifiers: MedGen C1836906, MONDO:0012180, OMIM 609040.
Cardiovascular phenotype. Identifiers: MedGen CN230736.

gnomAD v4.1: 2 of 1,612,592 alleles (0.00012%); highest among the groups gnomAD compares: Non-Finnish European, 0.00017%; no homozygotes.

Submissions (2):

Labcorp Genetics (formerly Invitae), Labcorp
Classification: Pathogenic for Arrhythmogenic right ventricular dysplasia 9. Last evaluated: 2023-07-25. Review status: criteria provided, single submitter. Criteria: Invitae Variant Classification Sherloc (09022015). Collection method: clinical testing. Allele origin: germline.
Comment: Algorithms developed to predict the effect of sequence changes on RNA splicing suggest that this variant may disrupt the consensus splice site. For these reasons, this variant has been classified as Pathogenic. This sequence change affects a donor splice site in intron 4 of the PKP2 gene. It is expected to disrupt RNA splicing. Variants that disrupt the donor or acceptor splice site typically lead to a loss of protein function (PMID: 16199547), and loss-of-function variants in PKP2 are known to be pathogenic (PMID: 15489853, 23911551). This variant is not present in population databases (gnomAD no frequency). Disruption of this splice site has been observed in individuals with clinical features of arrhythmogenic right ventricular cardiomyopathy (PMID: 20400443; Invitae).

Ambry Genetics
Classification: Pathogenic for Cardiovascular phenotype. Last evaluated: 2021-12-01. Review status: criteria provided, single submitter. Criteria: Ambry Variant Classification Scheme 2023. Collection method: clinical testing. Allele origin: germline.
Comment: The c.1170+1G>C intronic pathogenic mutation results from a G to C substitution one nucleotide after coding exon 4 of the PKP2 gene. This alteration was detected in a genetic testing cohort in one individual reported to have arrhythmogenic right ventricular cardiomyopathy (ARVC), but clinical details were not provided (Walsh R et al. Genet Med, 2017 02;19:192-203). This variant is considered to be rare based on population cohorts in the Genome Aggregation Database (gnomAD). In silico splice site analysis predicts that this alteration will weaken the native splice donor site. Another alteration impacting the same donor site (c.1170+1G>A) has been described in a patient with a clinical diagnosis of ARVC (Hermida A et al. Eur J Heart Fail, 2019 06;21:792-800). In addition to the clinical data presented in the literature, alterations that disrupt the canonical splice site are expected to cause aberrant splicing, resulting in an abnormal protein or a transcript that is subject to nonsense-mediated mRNA decay. As such, this alteration is classified as a disease-causing mutation.

Literature cited by the submitters: PubMed 16199547 (cited by Labcorp Genetics (formerly Invitae), Labcorp); PubMed 15489853 (cited by Labcorp Genetics (formerly Invitae), Labcorp); PubMed 23911551 (cited by Labcorp Genetics (formerly Invitae), Labcorp); PubMed 20400443 (cited by Labcorp Genetics (formerly Invitae), Labcorp); PubMed 27532257 (cited by Ambry Genetics).